The following is an entry in ClinVar:

ClinVar aggregate classification (germline): Uncertain significance (1 of 4 stars; one submission).

Conditions:
Hereditary factor VIII deficiency disease (HEMA). Also called: AUTOSOMAL HEMOPHILIA A; Hemophilia A, congenital; HEM A; Factor 8 deficiency, congenital; HEMOPHILIA, CLASSIC; Hemophilia A. Identifiers: Orphanet 98878, MedGen C0019069, MONDO:0010602, OMIM 306700.

Submission:

ARUP Laboratories, Molecular Genetics and Genomics, ARUP Laboratories
Classification: Uncertain significance for Hereditary factor VIII deficiency disease. Last evaluated: 2019-11-12. Review status: criteria provided, single submitter. Criteria: ARUP Molecular Germline Variant Investigation Process. Collection method: clinical testing. Allele origin: germline.
Comment: The F8 c.65G>A; p.Arg22Lys variant, to our knowledge, is not reported in the medical literature or gene-specific databases. This variant is absent from general population databases (Exome Variant Server, Genome Aggregation Database), indicating it is not a common polymorphism. The arginine at codon 22 is highly conserved, but computational analyses (SIFT: tolerated, PolyPhen-2: damaging) predict conflicting effects of this variant on protein structure/function. Other amino acid substitutions at this codon (p.Arg22Gly, p.Arg22Ile, p.Arg22Thr) have been reported in individuals with hemophilia A and are considered disease-causing (Santacroce 2008, Factor VIII database and references therein). However, given the lack of clinical and functional data, the significance of the p.Arg22Lys variant is uncertain at this time. References: Factor VIII database: Santacroce R et al. Identification of 217 unreported mutations in the F8 gene in a group of 1,410 unselected Italian patients with hemophilia A. J Hum Genet. 2008;53(3):275-84.

NM_000132.4(F8):c.65G>A (p.Arg22Lys)

Gene: F8 (coagulation factor VIII; minus strand). Cytogenetic location: Xq28.
Variant type: single nucleotide variant.
Coding change: c.65G>A on transcript NM_000132.4 (MANE Select); coding-DNA position 65, G replaced by A.
Protein change: p.Arg22Lys; replaces arginine 22 with lysine.
Molecular consequence: missense variant.
Genome position (GRCh38, 1-based): chrX:155,022,488, C>T on the plus strand (G>A on the coding strand, the complement: F8 is on the minus strand). VCF-style: chrX-155022488-C-T. GRCh37 (hg19) VCF-style: chrX-154250763-C-T.
Other names: short protein forms R22K.
Identifiers: ClinVar variation 993921 (VCV000993921.8), dbSNP rs2073765087, ClinGen allele CA414920603.